The following is an entry in ClinVar:

NM_175607.3(CNTN4):c.2868A>G (p.Thr956=)

Genes: CNTN4 (contactin 4; plus strand), CNTN4-AS1 (CNTN4 antisense RNA 1; minus strand). Cytogenetic location: 3p26.2.
Variant type: single nucleotide variant.
Coding change: c.2868A>G on transcript NM_175607.3 (MANE Select); coding-DNA position 2868, A replaced by G.
Protein change: p.Thr956=; no amino-acid change (threonine 956 retained).
Molecular consequence: synonymous variant.
Genome position (GRCh38, 1-based): chr3:3,053,863, A>G. VCF-style: chr3-3053863-A-G. GRCh37 (hg19) VCF-style: chr3-3095547-A-G.
Other names: c.2868A>G, p.Thr956= (NM_001206955.2, NM_001350095.2); c.1881A>G, p.Thr627= (NM_001206956.2); c.1884A>G, p.Thr628= (NM_175613.3).
Identifiers: ClinVar variation 735464 (VCV000735464.6), dbSNP rs563513988, ClinGen allele CA2227879.

ClinVar aggregate classification (germline): Benign. Review status: criteria provided, single submitter (1 of 4 stars). 2 submissions from 2 submitters: Benign (1). 1 of the submissions does not count toward it. Last evaluated 2019-12-31.

Conditions:
CNTN4-related disorder. Also called: CNTN4-related condition.

Allele frequency attached by ClinVar (database versions not stated): gnomAD 0.00001 and 0.00021; TOPMed 0.00002; ExAC 0.00071; 1000 Genomes Project 30x 0.00109; 1000 Genomes Project 0.00120.
gnomAD v4.1: 533 of 1,614,120 alleles (0.033%); highest among the groups gnomAD compares: South Asian, 0.56%; 4 homozygotes.

Submissions (2):

Labcorp Genetics (formerly Invitae), Labcorp
Classification: Benign. Last evaluated: 2019-12-31. Review status: criteria provided, single submitter. Criteria: Invitae Variant Classification Sherloc (09022015). Collection method: clinical testing. Allele origin: germline.

PreventionGenetics, part of Exact Sciences
Classification: Likely benign for CNTN4-related condition. Last evaluated: 2019-02-19. Review status: no assertion criteria provided. Collection method: clinical testing. Allele origin: germline. Not counted in ClinVar's aggregate classification.
Comment: This variant is classified as likely benign based on ACMG/AMP sequence variant interpretation guidelines (Richards et al. 2015 PMID: 25741868, with internal and published modifications).